The following is an entry in ClinVar:

ClinVar aggregate classification (germline): Conflicting classifications of pathogenicity. Review status: criteria provided, conflicting classifications (1 of 4 stars). 6 submissions from 6 submitters: Uncertain significance (3); Benign (1); Likely benign (1). 1 of the submissions does not count toward it. Last evaluated 2025-08-29.

Conditions:
Hereditary cancer-predisposing syndrome. Also called: Hereditary Cancer Syndrome; Neoplastic Syndromes, Hereditary; Tumor predisposition; Hereditary neoplastic syndrome. Identifiers: Orphanet 140162, MedGen C0027672, MeSH D009386, MONDO:0015356.
Ovarian cancer. Also called: OVARIAN CANCER, SOMATIC. Identifiers: Orphanet 213500, MedGen C1140680, MONDO:0008170, OMIM 167000.
Familial cancer of breast. Also called: BREAST CANCER, FAMILIAL; Hereditary breast cancer; hereditary breast carcinoma. Identifiers: Orphanet 227535, MedGen C0346153, MONDO:0016419, OMIM 114480. Disease mechanism: loss of function.
Ataxia-telangiectasia syndrome (AT). Also called: Ataxia-telangiectasia, complementation group D; AT, COMPLEMENTATION GROUP C; ATAXIA-TELANGIECTASIA, COMPLEMENTATION GROUP A; ATAXIA-TELANGIECTASIA, FRESNO VARIANT; Ataxia-telangiectasia; LOUIS-BAR SYNDROME. Identifiers: Orphanet 100, MedGen C0004135, MONDO:0008840, OMIM 208900.

Allele frequency attached by ClinVar (database versions not stated): gnomAD exomes below 0.00001.

Submissions (6):

Labcorp Genetics (formerly Invitae), Labcorp
Classification: Uncertain significance for Ataxia-telangiectasia syndrome. Last evaluated: 2025-08-29. Review status: criteria provided, single submitter. Criteria: Invitae Variant Classification Sherloc (09022015). Collection method: clinical testing. Allele origin: germline.
Comment: This sequence change replaces methionine, which is neutral and non-polar, with threonine, which is neutral and polar, at codon 1484 of the ATM protein (p.Met1484Thr). This variant is not present in population databases (gnomAD no frequency). This variant has not been reported in the literature in individuals affected with ATM-related conditions. ClinVar contains an entry for this variant (Variation ID: 187503). Invitae Evidence Modeling of protein sequence and biophysical properties (such as structural, functional, and spatial information, amino acid conservation, physicochemical variation, residue mobility, and thermodynamic stability) indicates that this missense variant is not expected to disrupt ATM protein function with a negative predictive value of 95%. In summary, the available evidence is currently insufficient to determine the role of this variant in disease. Therefore, it has been classified as a Variant of Uncertain Significance.

Ambry Genetics
Classification: Likely benign for Hereditary cancer-predisposing syndrome. Last evaluated: 2025-05-22. Review status: criteria provided, single submitter. Criteria: Ambry Variant Classification Scheme 2023. Collection method: clinical testing. Allele origin: germline.

Baylor Genetics
Classification: Uncertain significance for Familial cancer of breast. Last evaluated: 2024-03-17. Review status: criteria provided, single submitter. Criteria: ACMG Guidelines, 2015. Collection method: clinical testing. Allele origin: unknown.

Color Diagnostics, LLC DBA Color Health
Classification: Uncertain significance for Hereditary cancer-predisposing syndrome. Last evaluated: 2024-03-06. Review status: criteria provided, single submitter. Criteria: ACMG Guidelines, 2015. Collection method: clinical testing. Allele origin: germline.
Comment: This missense variant replaces methionine with threonine at codon 1484 of the ATM protein. Computational prediction suggests that this variant may not impact protein structure and function. To our knowledge, functional studies have not been reported for this variant. This variant has not been reported in individuals affected with ATM-related disorders in the literature. This variant has not been identified in the general population by the Genome Aggregation Database (gnomAD). The available evidence is insufficient to determine the role of this variant in disease conclusively. Therefore, this variant is classified as a Variant of Uncertain Significance.

Laboratory of Molecular Epidemiology of Birth Defects, West China Second University Hospital, Sichuan University
Classification: Benign for Ovarian cancer. Last evaluated: 2022-01-01. Review status: criteria provided, single submitter. Criteria: ACMG Guidelines, 2015. Collection method: clinical testing. Allele origin: germline. Affected: yes.

Natera, Inc.
Classification: Uncertain significance for Ataxia-telangiectasia. Last evaluated: 2020-09-16. Review status: no assertion criteria provided. Collection method: clinical testing. Allele origin: germline. Not counted in ClinVar's aggregate classification.

NM_000051.4(ATM):c.4451T>C (p.Met1484Thr)

Gene: ATM (ATM serine/threonine kinase; plus strand). Cytogenetic location: 11q22.3.
Variant type: single nucleotide variant.
Coding change: c.4451T>C on transcript NM_000051.4 (MANE Select); coding-DNA position 4451, T replaced by C.
Protein change: p.Met1484Thr; replaces methionine 1484 with threonine.
Molecular consequence: missense variant.
Genome position (GRCh38, 1-based): chr11:108,292,633, T>C. VCF-style: chr11-108292633-T-C. GRCh37 (hg19) VCF-style: chr11-108163360-T-C.
Other names: c.4451T>C, p.Met1484Thr (NM_001351834.2); short protein forms M1484T.
Identifiers: ClinVar variation 187503 (VCV000187503.20), dbSNP rs786203785, ClinGen allele CA197812.